The following is an entry in ClinVar:

NM_001113378.2(FANCI):c.3669_3672dup (p.Tyr1225fs)

Gene: FANCI (FA complementation group I; plus strand). Cytogenetic location: 15q26.1.
Variant type: Duplication.
Coding change: c.3669_3672dup on transcript NM_001113378.2 (MANE Select); coding-DNA positions 3669 to 3672, 4 bases duplicated (GAAC; older notation c.3669_3672dupGAAC).
Protein change: p.Tyr1225fs; shifts the reading frame from tyrosine 1225.
Molecular consequence: frameshift variant.
Genome position (GRCh38, 1-based): chr15:89,312,921-89,312,924, GAAC duplicated. VCF-style (leftmost placement, unchanged base first): chr15-89312920-T-TGAAC. GRCh37 (hg19) VCF-style: chr15-89856151-T-TGAAC.
Other names: c.3390_3393dup, p.Tyr1132fs (NM_001376910.1); c.3669_3672dup, p.Tyr1225fs (NM_001376911.1); c.3489_3492dup, p.Tyr1165fs (NM_018193.3); c.3669_3672dupGAAC (NM_001113378.1); short protein forms Y1165fs, Y1225fs, Y1132fs.
Identifiers: ClinVar variation 658065 (VCV000658065.6), dbSNP rs1596336945, ClinGen allele CA915946116.

ClinVar aggregate classification (germline): Pathogenic (1 of 4 stars; one submission).

Conditions:
Fanconi anemia (FA). Also called: Fanconi's anemia. Identifiers: Orphanet 84, MedGen C0015625, MeSH D005199, MONDO:0019391.

Submission:

Labcorp Genetics (formerly Invitae), Labcorp
Classification: Pathogenic for Fanconi anemia. Last evaluated: 2018-11-17. Review status: criteria provided, single submitter. Criteria: Invitae Variant Classification Sherloc (09022015). Collection method: clinical testing. Allele origin: germline.
Comment: For these reasons, this variant has been classified as Pathogenic. Loss-of-function variants in FANCI are known to be pathogenic (PMID: 17452773, 17460694). This sequence change creates a premature translational stop signal (p.Tyr1225Glufs*29) in the FANCI gene. It is expected to result in an absent or disrupted protein product. This variant is not present in population databases (ExAC no frequency). This variant has not been reported in the literature in individuals with FANCI-related disease.

Literature cited by the submitters: PubMed 17452773; PubMed 17460694.